The following is an entry in ClinVar:

NM_001190274.2(FBXO11):c.1258C>G (p.Gln420Glu)

Gene: FBXO11 (F-box protein 11; minus strand). Cytogenetic location: 2p16.3.
Variant type: single nucleotide variant.
Coding change: c.1258C>G on transcript NM_001190274.2 (MANE Select); coding-DNA position 1258, C replaced by G.
Protein change: p.Gln420Glu; replaces glutamine 420 with glutamic acid.
Molecular consequence: missense variant.
Genome position (GRCh38, 1-based): chr2:47,832,574, G>C on the plus strand (C>G on the coding strand, the complement: FBXO11 is on the minus strand). VCF-style: chr2-47832574-G-C. GRCh37 (hg19) VCF-style: chr2-48059713-G-C.
Other names: c.1006C>G, p.Gln336Glu (NM_001374325.1, NM_025133.4); short protein forms Q420E, Q336E.
Identifiers: ClinVar variation 3008834 (VCV003008834.3), dbSNP rs1458526046, ClinGen allele CA346765495.
Genomic context (GRCh38, chr2:47,832,574, plus strand): 5'-CAGTAGAGCTTTTAAACATTTTCTAAAAAGAAAAAAACCACACAAAATTAAAAAATACCT[G>C]TGCATGATCTGTTATATATAGTCCAACATTTTCACAGTCACTGATGTTACAGTGCTTGAT-3'
Protein context (NP_001177203.1, residues 410-430): NVGLYITDHA[Gln420Glu]GIYEDNEISN

ClinVar aggregate classification (germline): Uncertain significance (1 of 4 stars; one submission).

Allele frequency attached by ClinVar (database versions not stated): gnomAD exomes below 0.00001.
gnomAD v4.1: 2 of 1,611,814 alleles (0.00012%); highest among the groups gnomAD compares: Admixed American, 0.0034%; no homozygotes.

Submission:

Labcorp Genetics (formerly Invitae), Labcorp
Classification: Uncertain significance. Last evaluated: 2022-12-15. Review status: criteria provided, single submitter. Criteria: Invitae Variant Classification Sherloc (09022015). Collection method: clinical testing. Allele origin: germline.
Comment: In summary, the available evidence is currently insufficient to determine the role of this variant in disease. Therefore, it has been classified as a Variant of Uncertain Significance. Algorithms developed to predict the effect of missense changes on protein structure and function (SIFT, PolyPhen-2, Align-GVGD) all suggest that this variant is likely to be tolerated. This variant has not been reported in the literature in individuals affected with FBXO11-related conditions. This sequence change replaces glutamine, which is neutral and polar, with glutamic acid, which is acidic and polar, at codon 420 of the FBXO11 protein (p.Gln420Glu). This variant is present in population databases (no rsID available, gnomAD 0.003%).